The following is an entry in ClinVar:

ClinVar aggregate classification (germline): Uncertain significance (1 of 4 stars; one submission).

Conditions:
Cardiac arrhythmia. Also called: Cardiac rhythm disease; Arrhythmia. Identifiers: MedGen C0003811, MONDO:0007263, HP:0011675.

Allele frequency attached by ClinVar (database versions not stated): gnomAD exomes below 0.00001.

Submission:

Color Diagnostics, LLC DBA Color Health
Classification: Uncertain significance for Cardiac arrhythmia. Last evaluated: 2023-12-04. Review status: criteria provided, single submitter. Criteria: ACMG Guidelines, 2015. Collection method: clinical testing. Allele origin: germline.
Comment: Variant of Uncertain Significance due to insufficient evidence: This missense variant replaces glycine with alanine at codon 487 of the KCNH2 protein. Computational prediction tools and conservation analyses are inconclusive regarding the impact of this variant on the protein function. Computational splicing tools suggest that this variant may not impact RNA splicing. To our knowledge, functional assays have not been performed for this variant nor has this variant been reported in individuals affected with cardiovascular disorders in the literature. This variant is rare in the general population and has been identified in 0/277264 chromosomes by the Genome Aggregation Database (gnomAD). Available evidence is insufficient to determine the role of this variant in disease conclusively.

NM_000238.4(KCNH2):c.1460G>C (p.Gly487Ala)

Gene: KCNH2 (potassium voltage-gated channel subfamily H member 2; minus strand). Cytogenetic location: 7q36.1.
Variant type: single nucleotide variant.
Coding change: c.1460G>C on transcript NM_000238.4 (MANE Select); coding-DNA position 1460, G replaced by C.
Protein change: p.Gly487Ala; replaces glycine 487 with alanine.
Molecular consequence: missense variant.
Genome position (GRCh38, 1-based): chr7:150,952,522, C>G on the plus strand (G>C on the coding strand, the complement: KCNH2 is on the minus strand). VCF-style: chr7-150952522-C-G. GRCh37 (hg19) VCF-style: chr7-150649610-C-G.
Other names: c.440G>C, p.Gly147Ala (NM_001204798.2, NM_172057.3); c.1172G>C, p.Gly391Ala (NM_001406753.1, NM_001406756.1); c.1283G>C, p.Gly428Ala (NM_001406755.1); c.1160G>C, p.Gly387Ala (NM_001406757.1); c.1460G>C, p.Gly487Ala (NM_172056.3); short protein forms G147A, G487A, G428A, G391A, G387A.
Identifiers: ClinVar variation 921335 (VCV000921335.8), dbSNP rs1801215399, ClinGen allele CA369859707.
Genomic context (GRCh38, chr7:150,952,522, plus strand): 5'-GGGATGGCGGCCACCATGTCGATGAGGAACCAGCCCTTGAAGTAGTGGACGGCGATGCGG[C>G]CGGGGTGGCTGACCACCTCCTCGTTGGCATTGACGTAGGTGGTGCGGAAGTTGATGAGGA-3'
Protein context (NP_000229.1, residues 477-497): NANEEVVSHP[Gly487Ala]RIAVHYFKGW